The following is an entry in ClinVar:

ClinVar aggregate classification (germline): Uncertain significance (1 of 4 stars; one submission).

gnomAD v4.1: 1 of 1,475,130 alleles (0.000068%); highest among the groups gnomAD compares: South Asian, 0.0014%; no homozygotes.

Submission:

Labcorp Genetics (formerly Invitae), Labcorp
Classification: Uncertain significance. Last evaluated: 2024-02-20. Review status: criteria provided, single submitter. Criteria: Invitae Variant Classification Sherloc (09022015). Collection method: clinical testing. Allele origin: germline.
Comment: This sequence change replaces aspartic acid, which is acidic and polar, with valine, which is neutral and non-polar, at codon 1931 of the EYS protein (p.Asp1931Val). This variant is not present in population databases (gnomAD no frequency). This variant has not been reported in the literature in individuals affected with EYS-related conditions. Advanced modeling of protein sequence and biophysical properties (such as structural, functional, and spatial information, amino acid conservation, physicochemical variation, residue mobility, and thermodynamic stability) has been performed at Invitae for this missense variant, however the output from this modeling did not meet the statistical confidence thresholds required to predict the impact of this variant on EYS protein function. In summary, the available evidence is currently insufficient to determine the role of this variant in disease. Therefore, it has been classified as a Variant of Uncertain Significance.

NM_001142800.2(EYS):c.5792A>T (p.Asp1931Val)

Gene: EYS (EGF-like photoreceptor maintenance factor; minus strand). Cytogenetic location: 6q12.
Variant type: single nucleotide variant.
Coding change: c.5792A>T on transcript NM_001142800.2 (MANE Select); coding-DNA position 5792, A replaced by T.
Protein change: p.Asp1931Val; replaces aspartic acid 1931 with valine.
Molecular consequence: missense variant.
Genome position (GRCh38, 1-based): chr6:64,439,205, T>A on the plus strand (A>T on the coding strand, the complement: EYS is on the minus strand). VCF-style: chr6-64439205-T-A. GRCh37 (hg19) VCF-style: chr6-65149098-T-A.
Other names: c.5792A>T, p.Asp1931Val (NM_001292009.2); short protein forms D1931V.
Identifiers: ClinVar variation 3635306 (VCV003635306.2).